The following is an entry in ClinVar:

ClinVar aggregate classification (germline): Likely benign. Review status: criteria provided, multiple submitters, no conflicts (2 of 4 stars). 3 submissions from 3 submitters: Likely benign (3). Last evaluated 2025-04-27.

Conditions:
Oligodontia-cancer predisposition syndrome. Also called: TOOTH AGENESIS-COLORECTAL CANCER SYNDROME. Identifiers: Orphanet 300576, MedGen C1837750, MONDO:0012075, OMIM 608615. Disease mechanism: loss of function.

Allele frequency attached by ClinVar (database versions not stated): gnomAD exomes below 0.00001; ExAC 0.00001; gnomAD 0.00001; 1000 Genomes Project 30x 0.00016; 1000 Genomes Project 0.00020.
gnomAD v4.1: 4 of 1,614,062 alleles (0.00025%); highest among the groups gnomAD compares: Middle Eastern, 0.017%; no homozygotes.

Submissions (3):

Labcorp Genetics (formerly Invitae), Labcorp
Classification: Likely benign for Oligodontia-cancer predisposition syndrome. Last evaluated: 2025-04-27. Review status: criteria provided, single submitter. Criteria: Invitae Variant Classification Sherloc (09022015). Collection method: clinical testing. Allele origin: germline.

Center for Genomic Medicine, Rigshospitalet, Copenhagen University Hospital
Classification: Likely benign. Last evaluated: 2025-03-04. Review status: criteria provided, single submitter. Criteria: ACMG Guidelines, 2015. Collection method: clinical testing. Allele origin: germline.

Myriad Genetics, Inc.
Classification: Likely benign for Oligodontia-cancer predisposition syndrome. Last evaluated: 2024-07-10. Review status: criteria provided, single submitter. Criteria: Myriad Autosomal Dominant, Autosomal Recessive and X-Linked Classification Criteria (2023). Collection method: clinical testing. Allele origin: unknown.
Comment: This variant is considered likely benign. This variant is intronic and is not expected to impact mRNA splicing.

NM_004655.4(AXIN2):c.2238-20C>T

Gene: AXIN2 (axin 2; minus strand). Cytogenetic location: 17q24.1.
Variant type: single nucleotide variant.
Coding change: c.2238-20C>T on transcript NM_004655.4 (MANE Select); 20 bases into the intron before coding-DNA position 2238, C replaced by T.
Molecular consequence: intron variant.
Genome position (GRCh38, 1-based): chr17:65,534,099, G>A on the plus strand (C>T on the coding strand, the complement: AXIN2 is on the minus strand). VCF-style: chr17-65534099-G-A. GRCh37 (hg19) VCF-style: chr17-63530217-G-A.
Other names: c.2043-20C>T (NM_001363813.1).
Identifiers: ClinVar variation 1660281 (VCV001660281.10), dbSNP rs554818406, ClinGen allele CA8718348.